The following is an entry in ClinVar:

ClinVar aggregate classification (germline): Likely benign (1 of 4 stars; one submission).

Submission:

CeGaT Center for Human Genetics Tuebingen
Classification: Likely benign. Last evaluated: 2026-04-01. Review status: criteria provided, single submitter. Criteria: CeGaT Center For Human Genetics Tuebingen Variant Classification Criteria Version 2. Collection method: clinical testing. Allele origin: germline. Affected: yes. Observed: 1 variant allele.
Comment: KDM5B: PM2:Supporting, BP4, BP7

NM_006618.5(KDM5B):c.705A>G (p.Arg235=)

Gene: KDM5B (lysine demethylase 5B; minus strand). Cytogenetic location: 1q32.1.
Variant type: single nucleotide variant.
Coding change: c.705A>G on transcript NM_006618.5 (MANE Select); coding-DNA position 705, A replaced by G.
Protein change: p.Arg235=; no amino-acid change (arginine 235 retained).
Molecular consequence: synonymous variant. On other transcripts: intron variant (1).
Genome position (GRCh38, 1-based): chr1:202,766,932, T>C on the plus strand (A>G on the coding strand, the complement: KDM5B is on the minus strand). VCF-style: chr1-202766932-T-C. GRCh37 (hg19) VCF-style: chr1-202736060-T-C.
Other names: c.705A>G, p.Arg235= (NM_001314042.2); c.690A>G, p.Arg230= (NM_001399817.1); c.577-2787A>G (NM_001347591.2).
Identifiers: ClinVar variation 4823811 (VCV004823811.4).